The following is an entry in ClinVar:

ClinVar aggregate classification (germline): Uncertain significance. Review status: criteria provided, multiple submitters, no conflicts (2 of 4 stars). 4 submissions from 4 submitters: Uncertain significance (4). Last evaluated 2025-12-08.

Conditions:
Cardiovascular phenotype. Identifiers: MedGen CN230736.
Ehlers-Danlos syndrome (EDS). Identifiers: Orphanet 98249, MedGen C0013720, MONDO:0020066.
Ehlers-Danlos syndrome, classic type, 1 (EDSCL1). Also called: EHLERS-DANLOS SYNDROME, GRAVIS TYPE; EHLERS-DANLOS SYNDROME, SEVERE CLASSIC TYPE; Ehlers-Danlos syndrome, type 1; Ehlers-Danlos Syndrome, Classic Type, COL5A1-Related; EDS I. Identifiers: MedGen C0268335, MONDO:0019567, OMIM 130000.
Osteogenesis imperfecta type I (OI1). Also called: OI, TYPE I; OSTEOGENESIS IMPERFECTA TARDA; OSTEOGENESIS IMPERFECTA WITH BLUE SCLERAE; Osteogenesis imperfecta type 1; Lobstein's Disease; Lobstein disease. Identifiers: Orphanet 216796, Orphanet 666, MedGen C0023931, MONDO:0008146, OMIM 166200. Disease mechanism: loss of function.

Allele frequency attached by ClinVar (database versions not stated): TOPMed 0.00005.
gnomAD v4.1: 48 of 1,612,606 alleles (0.003%); highest among the groups gnomAD compares: African/African-American, 0.0067%; no homozygotes.

Submissions (4):

Labcorp Genetics (formerly Invitae), Labcorp
Classification: Uncertain significance for Osteogenesis imperfecta type I; Ehlers-Danlos syndrome, classic type, 1. Last evaluated: 2025-12-08. Review status: criteria provided, single submitter. Criteria: Invitae Variant Classification Sherloc (09022015). Collection method: clinical testing. Allele origin: germline.
Comment: This sequence change replaces alanine, which is neutral and non-polar, with threonine, which is neutral and polar, at codon 462 of the COL1A2 protein (p.Ala462Thr). The frequency data for this variant in the population databases is considered unreliable, as metrics indicate poor data quality at this position in the gnomAD database. This missense change has been observed in individual(s) with osteoporosis (PMID: 39316135). ClinVar contains an entry for this variant (Variation ID: 1480154). Invitae Evidence Modeling of protein sequence and biophysical properties (such as structural, functional, and spatial information, amino acid conservation, physicochemical variation, residue mobility, and thermodynamic stability) indicates that this missense variant is not expected to disrupt COL1A2 protein function with a negative predictive value of 95%. In summary, the available evidence is currently insufficient to determine the role of this variant in disease. Therefore, it has been classified as a Variant of Uncertain Significance.

Ambry Genetics
Classification: Uncertain significance for Cardiovascular phenotype. Last evaluated: 2025-10-28. Review status: criteria provided, single submitter. Criteria: Ambry Variant Classification Scheme 2023. Collection method: clinical testing. Allele origin: germline.
Comment: The p.A462T variant (also known as c.1384G>A), located in coding exon 24 of the COL1A2 gene, results from a G to A substitution at nucleotide position 1384. The alanine at codon 462 is replaced by threonine, an amino acid with similar properties. This amino acid position is not well conserved in available vertebrate species. In addition, this alteration is predicted to be tolerated by in silico analysis. Based on the available evidence, the clinical significance of this variant remains unclear.

Mayo Clinic Laboratories, Mayo Clinic
Classification: Uncertain significance. Last evaluated: 2025-02-08. Review status: criteria provided, single submitter. Criteria: ACMG Guidelines, 2015. Collection method: clinical testing. Allele origin: germline. Observed: 1 variant allele.

Genome Diagnostics Laboratory, The Hospital for Sick Children
Classification: Uncertain significance for Ehlers-Danlos syndrome. Last evaluated: 2019-12-12. Review status: criteria provided, single submitter. Criteria: ACMG Guidelines, 2015. Collection method: clinical testing. Allele origin: germline.

Literature cited by the submitters: PubMed 39316135 (cited by Labcorp Genetics (formerly Invitae), Labcorp).

NM_000089.4(COL1A2):c.1384G>A (p.Ala462Thr)

Gene: COL1A2 (collagen type I alpha 2 chain; plus strand). Cytogenetic location: 7q21.3.
Variant type: single nucleotide variant.
Coding change: c.1384G>A on transcript NM_000089.4 (MANE Select); coding-DNA position 1384, G replaced by A.
Protein change: p.Ala462Thr; replaces alanine 462 with threonine.
Molecular consequence: missense variant.
Genome position (GRCh38, 1-based): chr7:94,412,101, G>A. VCF-style: chr7-94412101-G-A. GRCh37 (hg19) VCF-style: chr7-94041413-G-A.
Other names: p.Ala462Thr; short protein forms A462T.
Identifiers: ClinVar variation 1480154 (VCV001480154.12), dbSNP rs562290953, ClinGen allele CA162924616.